The following is an entry in ClinVar:

ClinVar aggregate classification (germline): Uncertain significance (1 of 4 stars; one submission).

Allele frequency attached by ClinVar (database versions not stated): TOPMed 0.00001; gnomAD exomes 0.00001; ExAC 0.00001.
gnomAD v4.1: 11 of 1,614,090 alleles (0.00068%); highest among the groups gnomAD compares: East Asian, 0.011%; no homozygotes.

Submission:

GeneDx
Classification: Uncertain significance. Last evaluated: 2019-04-03. Review status: criteria provided, single submitter. Criteria: GeneDx Variant Classification Process June 2021. Collection method: clinical testing. Allele origin: germline. Affected: yes.
Comment: Not observed at a significant frequency in large population cohorts (Lek et al., 2016); In silico analysis, which includes protein predictors and evolutionary conservation, supports a deleterious effect; Has not been previously published as pathogenic or benign to our knowledge

NM_015634.4(KIFBP):c.1345C>T (p.Arg449Cys)

Gene: KIFBP (kinesin family binding protein; plus strand). Cytogenetic location: 10q22.1.
Variant type: single nucleotide variant.
Coding change: c.1345C>T on transcript NM_015634.4 (MANE Select); coding-DNA position 1345, C replaced by T.
Protein change: p.Arg449Cys; replaces arginine 449 with cysteine.
Molecular consequence: missense variant.
Genome position (GRCh38, 1-based): chr10:69,015,895, C>T. VCF-style: chr10-69015895-C-T. GRCh37 (hg19) VCF-style: chr10-70775651-C-T.
Other names: short protein forms R449C.
Identifiers: ClinVar variation 1308481 (VCV001308481.2), dbSNP rs750506715, ClinGen allele CA5529889.